The following is an entry in ClinVar:

ClinVar aggregate classification (germline): Conflicting classifications of pathogenicity. Review status: criteria provided, conflicting classifications (1 of 4 stars). 3 submissions from 3 submitters: Uncertain significance (2); Likely benign (1). Last evaluated 2025-03-16.

Conditions:
Catecholaminergic polymorphic ventricular tachycardia (CVPT). Also called: Catecholamine-induced polymorphic ventricular tachycardia. Identifiers: Orphanet 3286, MedGen C5574922, MONDO:0017990.
Cardiomyopathy (CMYO). Also called: Cardiomyopathies. Identifiers: Orphanet 167848, MedGen C0878544, MONDO:0004994, HP:0001638. Inheritance: Various modes of inheritance.
Catecholaminergic polymorphic ventricular tachycardia 1. Also called: VENTRICULAR TACHYCARDIA, STRESS-INDUCED POLYMORPHIC 1; VENTRICULAR TACHYCARDIA, CATECHOLAMINERGIC POLYMORPHIC, 1, WITH OR WITHOUT ATRIAL DYSFUNCTION AND/OR DILATED CARDIOMYOPATHY; RYR2-Related Catecholaminergic Polymorphic Ventricular Tachycardia. Identifiers: Orphanet 3286, MedGen C1631597, MONDO:0011484, OMIM 604772.

Allele frequency attached by ClinVar (database versions not stated): ExAC 0.00002; gnomAD exomes 0.00001 and 0.00002; gnomAD 0.00001; TOPMed below 0.00001.
gnomAD v4.1: 19 of 1,613,906 alleles (0.0012%); highest among the groups gnomAD compares: South Asian, 0.011%; no homozygotes.

Submissions (3):

Labcorp Genetics (formerly Invitae), Labcorp
Classification: Likely benign for Catecholaminergic polymorphic ventricular tachycardia 1. Last evaluated: 2025-03-16. Review status: criteria provided, single submitter. Criteria: Invitae Variant Classification Sherloc (09022015). Collection method: clinical testing. Allele origin: germline.

All of Us Research Program, National Institutes of Health
Classification: Uncertain significance for Catecholaminergic polymorphic ventricular tachycardia. Last evaluated: 2024-01-11. Review status: criteria provided, single submitter. Criteria: ACMG Guidelines, 2015. Collection method: clinical testing. Allele origin: germline. Inheritance: Autosomal dominant inheritance. Observed: 3 variant alleles, 3 heterozygotes.
Comment: This missense variant replaces arginine with glutamine at codon 1807 of the RYR2 protein. Computational prediction suggests that this variant may have deleterious impact on protein structure and function (internally defined REVEL score threshold >= 0.7, PMID: 27666373). Splice site prediction tools suggest that this variant may not impact RNA splicing. To our knowledge, functional studies have not been performed for this variant. This variant has not been reported in individuals affected with cardiovascular disorders in the literature. This variant has been identified in 5/248838 chromosomes in the general population by the Genome Aggregation Database (gnomAD). The available evidence is insufficient to determine the role of this variant in disease conclusively. Therefore, this variant is classified as a Variant of Uncertain Significance.

This study involves interpretation of variants in research participants for the purpose of population health screening. Participant phenotype was not available at the time of variant classification. Additional details can be found in publication PMID: 35346344, PMCID: PMC8962531

Color Diagnostics, LLC DBA Color Health
Classification: Uncertain significance for Cardiomyopathy. Last evaluated: 2023-03-29. Review status: criteria provided, single submitter. Criteria: ACMG Guidelines, 2015. Collection method: clinical testing. Allele origin: germline.
Comment: This missense variant replaces arginine with glutamine at codon 1807 of the RYR2 protein. Computational prediction suggests that this variant may have deleterious impact on protein structure and function (internally defined REVEL score threshold >= 0.7, PMID: 27666373). To our knowledge, functional studies have not been reported for this variant. This variant has not been reported in individuals affected with RYR2-related disorders in the literature. This variant has been identified in 5/248838 chromosomes in the general population by the Genome Aggregation Database (gnomAD). The available evidence is insufficient to determine the role of this variant in disease conclusively. Therefore, this variant is classified as a Variant of Uncertain Significance.

NM_001035.3(RYR2):c.5420G>A (p.Arg1807Gln)

Gene: RYR2 (ryanodine receptor 2; plus strand). Cytogenetic location: 1q43.
Variant type: single nucleotide variant.
Coding change: c.5420G>A on transcript NM_001035.3 (MANE Select); coding-DNA position 5420, G replaced by A.
Protein change: p.Arg1807Gln; replaces arginine 1807 with glutamine.
Molecular consequence: missense variant.
Genome position (GRCh38, 1-based): chr1:237,614,548, G>A. VCF-style: chr1-237614548-G-A. GRCh37 (hg19) VCF-style: chr1-237777848-G-A.
Other names: c.5420G>A, p.Arg1807Gln (LRG_402t1); short protein forms R1807Q.
Identifiers: ClinVar variation 180494 (VCV000180494.15), dbSNP rs730880192, ClinGen allele CA009854.